The following is an entry in ClinVar:

NM_003954.5(MAP3K14):c.2326+5G>A

Genes: MAP3K14 (mitogen-activated protein kinase kinase kinase 14; minus strand), MAP3K14-AS1 (MAP3K14 antisense RNA 1; plus strand), LOC126862575 (CDK7 strongly-dependent group 2 enhancer GRCh37_chr17:43344006-43345205; plus strand). Cytogenetic location: 17q21.31.
Variant type: single nucleotide variant.
Coding change: c.2326+5G>A on transcript NM_003954.5 (MANE Select); 5 bases into the intron after coding-DNA position 2326, G replaced by A.
Molecular consequence: intron variant.
Genome position (GRCh38, 1-based): chr17:45,267,401, C>T on the plus strand (G>A on the coding strand, the complement: MAP3K14 is on the minus strand). VCF-style: chr17-45267401-C-T. GRCh37 (hg19) VCF-style: chr17-43344768-C-T.
Identifiers: ClinVar variation 1499094 (VCV001499094.4), dbSNP rs1257808280, ClinGen allele CA626682825.
Genomic context (GRCh38, chr17:45,267,401, plus strand): 5'-ACCGGCCTCCGCGGGTGGCCCAGGGCCAGTGCTCAGGGCCCCACTGCAGCCACGGCTGCC[C>T]GTACCTATTTCCAGCTGCTGCAGTTCCTGCTCCGGGACGGTTGCTTTCCGCTCTGGTGAG-3'

ClinVar aggregate classification (germline): Uncertain significance (1 of 4 stars; one submission).

Conditions:
NIK deficiency. Also called: Primary immunodeficiency with multifaceted aberrant lymphoid immunity. Identifiers: Orphanet 447731, MedGen C5680065, MONDO:0018642.

Allele frequency attached by ClinVar (database versions not stated): gnomAD exomes 0.00001; gnomAD 0.00003 and 0.00004; TOPMed 0.00003.
gnomAD v4.1: 21 of 1,580,658 alleles (0.0013%); highest among the groups gnomAD compares: East Asian, 0.0069%; no homozygotes.

Submission:

Labcorp Genetics (formerly Invitae), Labcorp
Classification: Uncertain significance for NIK deficiency. Last evaluated: 2022-09-07. Review status: criteria provided, single submitter. Criteria: Invitae Variant Classification Sherloc (09022015). Collection method: clinical testing. Allele origin: germline.
Comment: In summary, the available evidence is currently insufficient to determine the role of this variant in disease. Therefore, it has been classified as a Variant of Uncertain Significance. Variants that disrupt the consensus splice site are a relatively common cause of aberrant splicing (PMID: 17576681, 9536098). Experimental studies and prediction algorithms are not available or were not evaluated, and the effect of this variant on mRNA splicing is currently unknown. ClinVar contains an entry for this variant (Variation ID: 1499094). This variant has not been reported in the literature in individuals affected with MAP3K14-related conditions. The frequency data for this variant in the population databases is considered unreliable, as metrics indicate poor data quality at this position in the gnomAD database. This sequence change falls in intron 12 of the MAP3K14 gene. It does not directly change the encoded amino acid sequence of the MAP3K14 protein. It affects a nucleotide within the consensus splice site.

Literature cited by the submitters: PubMed 17576681; PubMed 9536098.